The following is an entry in ClinVar:

ClinVar aggregate classification (germline): Uncertain significance (1 of 4 stars; one submission).

Conditions:
Velocardiofacial syndrome (VCFS). Also called: SHPRINTZEN VCF SYNDROME; VCF SYNDROME; Shprintzen syndrome. Identifiers: Orphanet 567, MedGen C0220704, MONDO:0008644, OMIM 192430. Disease mechanism: loss of function.

Submission:

MGZ Medical Genetics Center
Classification: Uncertain significance for Velocardiofacial syndrome. Last evaluated: 2022-05-02. Review status: criteria provided, single submitter. Criteria: ACMG Guidelines, 2015. Collection method: clinical testing. Allele origin: germline. Affected: yes. Observed: 1 variant allele.
Comment: ACMG criteria applied: PM2_SUP, PP3

NM_001379200.1(TBX1):c.473G>A (p.Gly158Asp)

Gene: TBX1 (T-box transcription factor 1; plus strand). Cytogenetic location: 22q11.21.
Variant type: single nucleotide variant.
Coding change: c.473G>A on transcript NM_001379200.1 (MANE Select); coding-DNA position 473, G replaced by A.
Protein change: p.Gly158Asp; replaces glycine 158 with aspartic acid.
Molecular consequence: missense variant.
Genome position (GRCh38, 1-based): chr22:19,763,276, G>A. VCF-style: chr22-19763276-G-A. GRCh37 (hg19) VCF-style: chr22-19750799-G-A.
Other names: c.446G>A, p.Gly149Asp (NM_080646.2, NM_080647.1, NM_005992.1); short protein forms G149D, G158D.
Identifiers: ClinVar variation 1709975 (VCV001709975.2), dbSNP rs1936726164, ClinGen allele CA410682170.